The following is an entry in ClinVar:

NM_001378778.1(MPDZ):c.5540G>A (p.Ser1847Asn)

Gene: MPDZ (multiple PDZ domain crumbs cell polarity complex component; minus strand). Cytogenetic location: 9p23.
Variant type: single nucleotide variant.
Coding change: c.5540G>A on transcript NM_001378778.1 (MANE Select); coding-DNA position 5540, G replaced by A.
Protein change: p.Ser1847Asn; replaces serine 1847 with asparagine.
Molecular consequence: missense variant.
Genome position (GRCh38, 1-based): chr9:13,113,948, C>T on the plus strand (G>A on the coding strand, the complement: MPDZ is on the minus strand). VCF-style: chr9-13113948-C-T. GRCh37 (hg19) VCF-style: chr9-13113947-C-T.
Other names: c.5441G>A, p.Ser1814Asn (NM_001261406.2, NM_001375416.1, NM_001375417.1 and 1 more transcripts); c.5354G>A, p.Ser1785Asn (NM_001261407.2, NM_001375419.1); c.5540G>A, p.Ser1847Asn (NM_001330637.2); c.5639G>A, p.Ser1880Asn (NM_001375413.1); c.5330G>A, p.Ser1777Asn (NM_001375420.1, NM_001375421.1, NM_001375422.1 and 2 more transcripts); c.5243G>A, p.Ser1748Asn (NM_001375425.1, NM_001375426.1); c.5132G>A, p.Ser1711Asn (NM_001375427.1); c.5453G>A, p.Ser1818Asn (NM_003829.5); short protein forms S1711N, S1814N, S1818N, S1748N, S1880N, S1777N, S1847N, S1785N.
Identifiers: ClinVar variation 1948388 (VCV001948388.5), dbSNP rs1942934191, ClinGen allele CA372942136.
Genomic context (GRCh38, chr9:13,113,948, plus strand): 5'-CAGCCAAATTCAAACCATGTTTAAAATACTGAACCAATCTTACATGCATTCTTCTTTGAG[C>T]TACTTTCCAGTGACTCAGATGTACTGGATCCAGAGAGTGGAAAAGTGAAAGATGACAGGC-3'
Protein context (NP_001365707.1, residues 1837-1857): GSSTSESLES[Ser1847Asn]SKKNALASEI

ClinVar aggregate classification (germline): Uncertain significance (1 of 4 stars; one submission).

Submission:

Labcorp Genetics (formerly Invitae), Labcorp
Classification: Uncertain significance. Last evaluated: 2022-09-27. Review status: criteria provided, single submitter. Criteria: Invitae Variant Classification Sherloc (09022015). Collection method: clinical testing. Allele origin: germline.
Comment: In summary, the available evidence is currently insufficient to determine the role of this variant in disease. Therefore, it has been classified as a Variant of Uncertain Significance. Algorithms developed to predict the effect of missense changes on protein structure and function output the following: SIFT: "Tolerated"; PolyPhen-2: "Benign"; Align-GVGD: "Class C0". The asparagine amino acid residue is found in multiple mammalian species, which suggests that this missense change does not adversely affect protein function. This variant has not been reported in the literature in individuals affected with MPDZ-related conditions. This variant is not present in population databases (gnomAD no frequency). This sequence change replaces serine, which is neutral and polar, with asparagine, which is neutral and polar, at codon 1818 of the MPDZ protein (p.Ser1818Asn).